The following is an entry in ClinVar:

ClinVar aggregate classification (germline): Pathogenic (1 of 4 stars; one submission).

Conditions:
Epidermolysis bullosa simplex with nail dystrophy (EBS5D). Identifiers: MedGen C4225309, MONDO:0014661, OMIM 616487.
Epidermolysis bullosa simplex 5C, with pyloric atresia (EBS5C). Also called: PLEC-Related Epidermolysis Bullosa with Pyloric Atresia; Epidermolysis bullosa simplex with pyloric atresia; PLEC1-Related Epidermolysis Bullosa with Pyloric Atresia. Identifiers: Orphanet 158684, MedGen C2677349, MONDO:0012807, OMIM 612138.
Autosomal recessive limb-girdle muscular dystrophy type 2Q (LGMDR17). Also called: MUSCULAR DYSTROPHY, LIMB-GIRDLE, AUTOSOMAL RECESSIVE 17. Identifiers: Orphanet 254361, MedGen C3150989, MONDO:0013390, OMIM 613723.
Epidermolysis bullosa simplex 5B, with muscular dystrophy (EBS5B). Also called: Epidermolysis bullosa simplex with muscular dystrophy; EPIDERMOLYSIS BULLOSA SIMPLEX AND LIMB-GIRDLE MUSCULAR DYSTROPHY. Identifiers: Orphanet 257, MedGen C2931072, MONDO:0009181, OMIM 226670.
Epidermolysis bullosa simplex, Ogna type (EBS5A). Also called: Pidermolysis bullosa simplex 5A, Ogna type; EPIDERMOLYSIS BULLOSA SIMPLEX 5A, OGNA TYPE. Identifiers: Orphanet 79401, MedGen C0432317, MONDO:0007555, OMIM 131950.

Allele frequency attached by ClinVar (database versions not stated): gnomAD exomes 0.00001.
gnomAD v4.1: 3 of 1,607,566 alleles (0.00019%); highest among the groups gnomAD compares: South Asian, 0.0011%; no homozygotes.

Submission:

Labcorp Genetics (formerly Invitae), Labcorp
Classification: Pathogenic for Autosomal recessive limb-girdle muscular dystrophy type 2Q; Epidermolysis bullosa simplex, Ogna type; Epidermolysis bullosa simplex with nail dystrophy; Epidermolysis bullosa simplex 5C, with pyloric atresia; Epidermolysis bullosa simplex 5B, with muscular dystrophy. Last evaluated: 2022-08-31. Review status: criteria provided, single submitter. Criteria: Invitae Variant Classification Sherloc (09022015). Collection method: clinical testing. Allele origin: germline.
Comment: Algorithms developed to predict the effect of sequence changes on RNA splicing suggest that this variant may create or strengthen a splice site. ClinVar contains an entry for this variant (Variation ID: 1456758). This variant has not been reported in the literature in individuals affected with PLEC-related conditions. For these reasons, this variant has been classified as Pathogenic. This variant disrupts a region of the PLEC protein in which other variant(s) (p.Ser4396*) have been determined to be pathogenic (Invitae). This suggests that this is a clinically significant region of the protein, and that variants that disrupt it are likely to be disease-causing. This variant is not present in population databases (gnomAD no frequency). This sequence change creates a premature translational stop signal (p.Arg3035*) in the PLEC gene. While this is not anticipated to result in nonsense mediated decay, it is expected to disrupt the last 1540 amino acid(s) of the PLEC protein.

NM_201384.3(PLEC):c.9022C>T (p.Arg3008Ter)

Gene: PLEC (plectin; minus strand). Cytogenetic location: 8q24.3.
Variant type: single nucleotide variant.
Coding change: c.9022C>T on transcript NM_201384.3 (MANE Select); coding-DNA position 9022, C replaced by T.
Protein change: p.Arg3008Ter; replaces arginine 3008 with a stop codon.
Molecular consequence: nonsense.
Genome position (GRCh38, 1-based): chr8:143,920,799, G>A on the plus strand (C>T on the coding strand, the complement: PLEC is on the minus strand). VCF-style: chr8-143920799-G-A. GRCh37 (hg19) VCF-style: chr8-144994967-G-A.
Other names: c.9103C>T, p.Arg3035Ter (NM_000445.5); c.8980C>T, p.Arg2994Ter (NM_201378.4); c.8956C>T, p.Arg2986Ter (NM_201379.3); c.9433C>T, p.Arg3145Ter (NM_201380.4); c.8926C>T, p.Arg2976Ter (NM_201381.3); c.9022C>T, p.Arg3008Ter (NM_201382.4); c.9034C>T, p.Arg3012Ter (NM_201383.3); short protein forms R2976*, R3008*, R2986*, R3145*, R3035*, R2994*, R3012*.
Identifiers: ClinVar variation 1456758 (VCV001456758.6), dbSNP rs1410984638, ClinGen allele CA372514292.